The following is an entry in ClinVar:

NM_025132.4(WDR19):c.*229C>T

Gene: WDR19 (WD repeat domain 19; plus strand). Cytogenetic location: 4p14.
Variant type: single nucleotide variant.
Coding change: c.*229C>T on transcript NM_025132.4 (MANE Select); 229 bases downstream of the stop codon, C replaced by T.
Molecular consequence: 3 prime UTR variant.
Genome position (GRCh38, 1-based): chr4:39,285,702, C>T. VCF-style: chr4-39285702-C-T. GRCh37 (hg19) VCF-style: chr4-39287322-C-T.
Other names: c.*229C>T (NM_001317924.2).
Identifiers: ClinVar variation 348762 (VCV000348762.6), dbSNP rs7564, ClinGen allele CA10621053.

ClinVar aggregate classification (germline): Benign. Review status: criteria provided, multiple submitters, no conflicts (2 of 4 stars). 3 submissions from 2 submitters: Benign (3). Last evaluated 2018-01-13.

Conditions:
Cranioectodermal dysplasia 4 (CED4). Identifiers: Orphanet 1515, MedGen C3280616, MONDO:0013719, OMIM 614378.
Asphyxiating thoracic dystrophy 5 (SRTD5). Also called: SHORT-RIB THORACIC DYSPLASIA 5 WITHOUT POLYDACTYLY; SHORT-RIB THORACIC DYSPLASIA 5 WITH OR WITHOUT POLYDACTYLY. Identifiers: Orphanet 474, MedGen C3280598, MONDO:0013717, OMIM 614376.

Allele frequency attached by ClinVar (database versions not stated): TOPMed 0.51637; gnomAD 0.52060 and 0.51145; 1000 Genomes Project 0.48862; 1000 Genomes Project 30x 0.49719.

Submissions (3):

Illumina Laboratory Services, Illumina
Classification: Benign for Cranioectodermal dysplasia 4. Last evaluated: 2018-01-13. Review status: criteria provided, single submitter. Criteria: ICSL Variant Classification Criteria 13 December 2019. Collection method: clinical testing. Allele origin: germline.
Comment: This variant was observed in the ICSL laboratory as part of a predisposition screen in an ostensibly healthy population. It had not been previously curated by ICSL or reported in the Human Gene Mutation Database (HGMD: prior to June 1st, 2018), and was therefore a candidate for classification through an automated scoring system. Utilizing variant allele frequency, disease prevalence and penetrance estimates, and inheritance mode, an automated score was calculated to assess if this variant is too frequent to cause the disease. Based on the score and internal cut-off values, a variant classified as benign is not then subjected to further curation. The score for this variant resulted in a classification of benign for this disease.

Illumina Laboratory Services, Illumina
Classification: Benign for Asphyxiating thoracic dystrophy 5. Last evaluated: 2018-01-13. Review status: criteria provided, single submitter. Criteria: ICSL Variant Classification Criteria 13 December 2019. Collection method: clinical testing. Allele origin: germline.
Comment: the same text as in the submission from Illumina Laboratory Services, Illumina above.

Breakthrough Genomics
Classification: Benign. Review status: criteria provided, single submitter. Criteria: ACMG Guidelines, 2015. Collection method: not provided. Allele origin: germline. Inheritance: Autosomal recessive inheritance. Affected: yes.